The following is an entry in ClinVar:

NM_001369.3(DNAH5):c.506C>A (p.Ser169Ter)

Gene: DNAH5 (dynein axonemal heavy chain 5; minus strand). Cytogenetic location: 5p15.2.
Variant type: single nucleotide variant.
Coding change: c.506C>A on transcript NM_001369.3 (MANE Select); coding-DNA position 506, C replaced by A.
Protein change: p.Ser169Ter; replaces serine 169 with a stop codon.
Molecular consequence: nonsense.
Genome position (GRCh38, 1-based): chr5:13,922,261, G>T on the plus strand (C>A on the coding strand, the complement: DNAH5 is on the minus strand). VCF-style: chr5-13922261-G-T. GRCh37 (hg19) VCF-style: chr5-13922370-G-T.
Other names: short protein forms S169*.
Identifiers: ClinVar variation 1745145 (VCV001745145.2), dbSNP rs749078502, ClinGen allele CA359223010.
Genomic context (GRCh38, chr5:13,922,261, plus strand): 5'-AGGCCCTCGAGCTCGCCCCAGCCATGGCTCGTGGCTCTGAGAGCAGGAATGAAGATGTCC[G>T]ACAGCAAACGTCTCACACTGTTGAGCAGGCCTCCATCTGCCGCATCTAACATGTTAAAAC-3'

ClinVar aggregate classification (germline): Pathogenic (1 of 4 stars; one submission).

Conditions:
Primary ciliary dyskinesia. Also called: Ciliary dyskinesia. Identifiers: Orphanet 244, MedGen C0008780, MONDO:0016575, HP:0012265.

Submission:

Ambry Genetics
Classification: Pathogenic for Primary ciliary dyskinesia. Last evaluated: 2016-10-27. Review status: criteria provided, single submitter. Criteria: Ambry Variant Classification Scheme 2023. Collection method: clinical testing. Allele origin: germline.
Comment: The p.S169* pathogenic mutation (also known as c.506C>A), located in coding exon 5 of the DNAH5 gene, results from a C to A substitution at nucleotide position 506. This changes the amino acid from a serine to a stop codon within coding exon 5. This alteration is expected to result in loss of function by premature protein truncation or nonsense-mediated mRNA decay. As such, this alteration is interpreted as a disease-causing mutation.